The following is an entry in ClinVar:

NM_004588.5(SCN2B):c.280C>T (p.Arg94Trp)

Gene: SCN2B (sodium voltage-gated channel beta subunit 2; minus strand). Cytogenetic location: 11q23.3.
Variant type: single nucleotide variant.
Coding change: c.280C>T on transcript NM_004588.5 (MANE Select); coding-DNA position 280, C replaced by T.
Protein change: p.Arg94Trp; replaces arginine 94 with tryptophan.
Molecular consequence: missense variant.
Genome position (GRCh38, 1-based): chr11:118,168,253, G>A on the plus strand (C>T on the coding strand, the complement: SCN2B is on the minus strand). VCF-style: chr11-118168253-G-A. GRCh37 (hg19) VCF-style: chr11-118038968-G-A.
Other names: short protein forms R94W.
Identifiers: ClinVar variation 1796312 (VCV001796312.2), dbSNP rs760016611, ClinGen allele CA6300490.

ClinVar aggregate classification (germline): Uncertain significance (1 of 4 stars; one submission).

Conditions:
Cardiovascular phenotype. Identifiers: MedGen CN230736.

Allele frequency attached by ClinVar (database versions not stated): gnomAD 0.00001; gnomAD exomes 0.00001; ExAC 0.00002.
gnomAD v4.1: 15 of 1,614,092 alleles (0.00093%); highest among the groups gnomAD compares: South Asian, 0.0066%; no homozygotes.

Submission:

Ambry Genetics
Classification: Uncertain significance for Cardiovascular phenotype. Last evaluated: 2022-07-06. Review status: criteria provided, single submitter. Criteria: Ambry Variant Classification Scheme 2023. Collection method: clinical testing. Allele origin: germline.
Comment: The p.R94W variant (also known as c.280C>T), located in coding exon 3 of the SCN2B gene, results from a C to T substitution at nucleotide position 280. The arginine at codon 94 is replaced by tryptophan, an amino acid with dissimilar properties. This amino acid position is conserved. In addition, the in silico prediction for this alteration is inconclusive. Since supporting evidence is limited at this time, the clinical significance of this alteration remains unclear.